The following is an entry in ClinVar:

ClinVar aggregate classification (germline): Uncertain significance. Review status: criteria provided, multiple submitters, no conflicts (2 of 4 stars). 2 submissions from 2 submitters: Uncertain significance (2). Last evaluated 2022-03-01.

Submissions (2):

CeGaT Center for Human Genetics Tuebingen
Classification: Uncertain significance. Last evaluated: 2022-03-01. Review status: criteria provided, single submitter. Criteria: CeGaT Center For Human Genetics Tuebingen Variant Classification Criteria Version 2. Collection method: clinical testing. Allele origin: germline. Affected: yes. Observed: 2 variant alleles.

GeneDx
Classification: Uncertain significance. Last evaluated: 2019-09-13. Review status: criteria provided, single submitter. Criteria: GeneDx Variant Classification Process June 2021. Collection method: clinical testing. Allele origin: germline. Affected: yes.
Comment: Not observed in large population cohorts (Lek et al., 2016); Frameshift variant predicted to cause a protein extension as the last 35 amino acids are replaced with 44 incorrect amino acids; Has not been previously published as pathogenic or benign to our knowledge

NM_005321.3(H1-4):c.552_553dup (p.Pro185fs)

Gene: H1-4 (H1.4 linker histone, cluster member; plus strand). Cytogenetic location: 6p22.2.
Variant type: Microsatellite.
Coding change: c.552_553dup on transcript NM_005321.3 (MANE Select); coding-DNA positions 552 to 553, 2 bases duplicated (GC; older notation c.552_553dupGC).
Protein change: p.Pro185fs; shifts the reading frame from proline 185.
Molecular consequence: frameshift variant.
Genome position (GRCh38, 1-based): chr6:26,156,942-26,156,943, GC duplicated; duplicating any 2 consecutive bases within chr6:26,156,940-26,156,943 gives the same sequence; the c. name uses the placement nearest the transcript's 3' end. VCF-style (leftmost placement, unchanged base first): chr6-26156939-G-GGC. GRCh37 (hg19) VCF-style: chr6-26157167-G-GGC.
Other names: short protein forms P185fs.
Identifiers: ClinVar variation 1312220 (VCV001312220.35), dbSNP rs2113827530, ClinGen allele CA2580614848.